The following is an entry in ClinVar:

NM_024408.4(NOTCH2):c.6586C>T (p.Gln2196Ter)

Gene: NOTCH2 (notch receptor 2; minus strand). Cytogenetic location: 1p12.
Variant type: single nucleotide variant.
Coding change: c.6586C>T on transcript NM_024408.4 (MANE Select); coding-DNA position 6586, C replaced by T.
Protein change: p.Gln2196Ter; replaces glutamine 2196 with a stop codon.
Molecular consequence: nonsense.
Genome position (GRCh38, 1-based): chr1:119,916,136, G>A on the plus strand (C>T on the coding strand, the complement: NOTCH2 is on the minus strand). VCF-style: chr1-119916136-G-A. GRCh37 (hg19) VCF-style: chr1-120458759-G-A.
Other names: short protein forms Q2196*.
Identifiers: ClinVar variation 1329467 (VCV001329467.3), dbSNP rs2101143618, ClinGen allele CA341877406.

ClinVar aggregate classification (germline): Likely pathogenic (1 of 4 stars; one submission).

Conditions:
Alagille syndrome due to a NOTCH2 point mutation. Also called: Alagille syndrome 2. Identifiers: Orphanet 261629, Orphanet 52, MedGen C1857761, MONDO:0012439, OMIM 610205.
Hajdu-Cheney syndrome (HJCYS). Also called: ACROOSTEOLYSIS WITH OSTEOPOROSIS AND CHANGES IN SKULL AND MANDIBLE; SERPENTINE FIBULA-POLYCYSTIC KIDNEY SYNDROME; Acroosteolysis dominant type. Identifiers: Orphanet 955, MedGen C0917715, MONDO:0007057, OMIM 102500.

Submission:

Diagnostics Services (NGS), CSIR - Centre For Cellular And Molecular Biology
Classification: Likely pathogenic for Hajdu-Cheney syndrome; Alagille syndrome due to a NOTCH2 point mutation. Last evaluated: 2021-07-14. Review status: criteria provided, single submitter. Criteria: ACMG Guidelines, 2015. Collection method: clinical testing. Allele origin: unknown. Inheritance: Autosomal dominant inheritance. Affected: yes. Observed: 1 variant allele, 1 heterozygote.
Comment: The c.6586C>T variant is not present in publicly available population databases like 1000 Genomes, Exome Variant Server (EVS), Exome Aggregation Consortium (ExAC), Genome Aggregation Database (gnomAD) and dbSNP. The variant is not present in Indian Exome Database and in our in-house exome database. The variant was not earlier reported to ClinVar, Human Genome Mutation Database (HGMD) and/or OMIM databases in any affected individuals. In-silico pathogenicity prediction programs like MutationTaster2, CADD, Varsome etc. predicted this variant to be likely disease causing, however these predictions were not confirmed by any established functional studies. Due to lack of enough evidence the variant has been classified as likely pathogenic.